The following is an entry in ClinVar:

ClinVar aggregate classification (germline): Uncertain significance. Review status: criteria provided, multiple submitters, no conflicts (2 of 4 stars). 2 submissions from 2 submitters: Uncertain significance (2). Last evaluated 2024-07-01.

Conditions:
Cardiovascular phenotype. Identifiers: MedGen CN230736.
Aortic valve disease 2 (AOVD2). Identifiers: MedGen C3542024, MONDO:0013902, OMIM 614823.

Allele frequency attached by ClinVar (database versions not stated): gnomAD 0.00001.
gnomAD v4.1: 1 of 1,613,920 alleles (0.000062%); no homozygotes.

Submissions (2):

Labcorp Genetics (formerly Invitae), Labcorp
Classification: Uncertain significance for Aortic valve disease 2. Last evaluated: 2024-07-01. Review status: criteria provided, single submitter. Criteria: Invitae Variant Classification Sherloc (09022015). Collection method: clinical testing. Allele origin: germline.
Comment: This sequence change replaces alanine, which is neutral and non-polar, with valine, which is neutral and non-polar, at codon 377 of the TBX5 protein (p.Ala377Val). This variant is present in population databases (no rsID available, gnomAD 0.03%). This variant has not been reported in the literature in individuals affected with TBX5-related conditions. ClinVar contains an entry for this variant (Variation ID: 1728195). Advanced modeling of protein sequence and biophysical properties (such as structural, functional, and spatial information, amino acid conservation, physicochemical variation, residue mobility, and thermodynamic stability) performed at Invitae indicates that this missense variant is not expected to disrupt TBX5 protein function with a negative predictive value of 80%. In summary, the available evidence is currently insufficient to determine the role of this variant in disease. Therefore, it has been classified as a Variant of Uncertain Significance.

Ambry Genetics
Classification: Uncertain significance for Cardiovascular phenotype. Last evaluated: 2021-03-23. Review status: criteria provided, single submitter. Criteria: Ambry Variant Classification Scheme 2023. Collection method: clinical testing. Allele origin: germline.
Comment: The p.A377V variant (also known as c.1130C>T), located in coding exon 8 of the TBX5 gene, results from a C to T substitution at nucleotide position 1130. The alanine at codon 377 is replaced by valine, an amino acid with similar properties. This amino acid position is highly conserved in available vertebrate species. In addition, the in silico prediction for this alteration is inconclusive. Since supporting evidence is limited at this time, the clinical significance of this alteration remains unclear.

NM_181486.4(TBX5):c.1130C>T (p.Ala377Val)

Gene: TBX5 (T-box transcription factor 5; minus strand). Cytogenetic location: 12q24.21.
Variant type: single nucleotide variant.
Coding change: c.1130C>T on transcript NM_181486.4 (MANE Select); coding-DNA position 1130, C replaced by T.
Protein change: p.Ala377Val; replaces alanine 377 with valine.
Molecular consequence: missense variant.
Genome position (GRCh38, 1-based): chr12:114,355,959, G>A on the plus strand (C>T on the coding strand, the complement: TBX5 is on the minus strand). VCF-style: chr12-114355959-G-A. GRCh37 (hg19) VCF-style: chr12-114793764-G-A.
Other names: c.1130C>T, p.Ala377Val (NM_000192.3); c.980C>T, p.Ala327Val (NM_080717.4); short protein forms A327V, A377V.
Identifiers: ClinVar variation 1728195 (VCV001728195.4), dbSNP rs1284653222, ClinGen allele CA386925722.
Genomic context (GRCh38, chr12:114,355,959, plus strand): 5'-CTGATGTCCTCTAGGCTGGGCACAGGCTCGCTGGGGGGCGCAGAGCTGGCATACATGCAA[G>A]CTTGCCGCTGTGCCGACTCTGTCCTGTAGGAGGCACCCAGGCCCTGCTGCTGTGGATAGC-3'
Protein context (NP_852259.1, residues 367-387): SYRTESAQRQ[Ala377Val]CMYASSAPPS